The following is an entry in ClinVar:

ClinVar aggregate classification (germline): Conflicting classifications of pathogenicity. Review status: criteria provided, conflicting classifications (1 of 4 stars). 14 submissions from 14 submitters: Uncertain significance (3); Benign (1); Likely benign (5). 5 of the submissions do not count toward it. Last evaluated 2026-07-01.

Conditions:
NEB-related disorder. Also called: NEB-Related Disorders; NEB-related condition.
Inborn genetic diseases. Identifiers: MedGen C0950123, MeSH D030342.
Nemaline myopathy 2 (NEM2). Also called: Nemaline myopathy 2, autosomal recessive. Identifiers: MedGen C1850569, MONDO:0009725, OMIM 256030.

Allele frequency attached by ClinVar (database versions not stated): 1000 Genomes Project 0.00080; 1000 Genomes Project 30x 0.00156; gnomAD 0.00200 and 0.00202; ExAC 0.00213; ESP Exome Variant Server 0.00216; gnomAD exomes 0.00233 and 0.00280; TOPMed 0.00249.
gnomAD v4.1: 4,412 of 1,613,934 alleles (0.27%); highest among the groups gnomAD compares: Non-Finnish European, 0.31%; 7 homozygotes.

Submissions (14):

CeGaT Center for Human Genetics Tuebingen
Classification: Likely benign. Last evaluated: 2026-07-01. Review status: criteria provided, single submitter. Criteria: CeGaT Center For Human Genetics Tuebingen Variant Classification Criteria Version 2. Collection method: clinical testing. Allele origin: germline. Affected: yes. Observed: 15 variant alleles.
Comment: NEB: BP4

Labcorp Genetics (formerly Invitae), Labcorp
Classification: Likely benign for Nemaline myopathy 2. Last evaluated: 2026-02-01. Review status: criteria provided, single submitter. Criteria: Invitae Variant Classification Sherloc (09022015). Collection method: clinical testing. Allele origin: germline.

Blueprint Genetics
Classification: Likely benign. Last evaluated: 2024-11-26. Review status: criteria provided, single submitter. Criteria: ACMG Guidelines, 2015. Collection method: clinical testing. Allele origin: germline.

Mayo Clinic Laboratories, Mayo Clinic
Classification: Likely benign. Last evaluated: 2024-10-22. Review status: criteria provided, single submitter. Criteria: ACMG Guidelines, 2015. Collection method: clinical testing. Allele origin: germline. Observed: 8 variant alleles.
Comment: BS1, BP4

Ambry Genetics
Classification: Uncertain significance for Inborn genetic diseases. Last evaluated: 2021-07-09. Review status: criteria provided, single submitter. Criteria: Ambry Variant Classification Scheme 2023. Collection method: clinical testing. Allele origin: germline.

GeneDx
Classification: Likely benign. Last evaluated: 2021-01-08. Review status: criteria provided, single submitter. Criteria: GeneDx Variant Classification Process June 2021. Collection method: clinical testing. Allele origin: germline. Affected: yes.
Comment: This variant is associated with the following publications: (PMID: 25888430)

Illumina Laboratory Services, Illumina
Classification: Uncertain significance for Nemaline myopathy 2. Last evaluated: 2018-01-12. Review status: criteria provided, single submitter. Criteria: ICSL Variant Classification Criteria 13 December 2019. Collection method: clinical testing. Allele origin: germline.

Eurofins Ntd Llc (ga)
Classification: Benign. Last evaluated: 2016-10-27. Review status: criteria provided, single submitter. Criteria: EGL Classification Definitions 2015. Collection method: clinical testing. Allele origin: germline. Observed: 1 variant allele, 1 heterozygote.

Genetic Services Laboratory, University of Chicago
Classification: Uncertain significance. Last evaluated: 2014-05-14. Review status: criteria provided, single submitter. Criteria: ACMG Guidelines, 2015. Collection method: clinical testing. Allele origin: germline.

Natera, Inc.
Classification: Likely benign for Nemaline myopathy type 2. Last evaluated: 2019-11-11. Review status: no assertion criteria provided. Collection method: clinical testing. Allele origin: germline. Not counted in ClinVar's aggregate classification.

PreventionGenetics, part of Exact Sciences
Classification: Benign for NEB-related condition. Last evaluated: 2019-08-01. Review status: no assertion criteria provided. Collection method: clinical testing. Allele origin: germline. Not counted in ClinVar's aggregate classification.
Comment: This variant is classified as benign based on ACMG/AMP sequence variant interpretation guidelines (Richards et al. 2015 PMID: 25741868, with internal and published modifications).

Clinical Genetics DNA and cytogenetics Diagnostics Lab, Erasmus MC, Erasmus Medical Center
Classification: Likely benign. Review status: no assertion criteria provided. Collection method: clinical testing. Allele origin: germline. Affected: yes. Study: VKGL Data-share Consensus. Not counted in ClinVar's aggregate classification.

Genome Diagnostics Laboratory, University Medical Center Utrecht
Classification: Likely benign. Review status: no assertion criteria provided. Collection method: clinical testing. Allele origin: germline. Affected: yes. Study: VKGL Data-share Consensus. Not counted in ClinVar's aggregate classification.

Laboratory of Diagnostic Genome Analysis, Leiden University Medical Center (LUMC)
Classification: Likely benign. Review status: no assertion criteria provided. Collection method: clinical testing. Allele origin: germline. Affected: yes. Study: VKGL Data-share Consensus. Not counted in ClinVar's aggregate classification.

NM_001164508.2(NEB):c.3593A>G (p.Asn1198Ser)

Gene: NEB (nebulin; minus strand). Cytogenetic location: 2q23.3.
Variant type: single nucleotide variant.
Coding change: c.3593A>G on transcript NM_001164508.2 (MANE Select); coding-DNA position 3593, A replaced by G.
Protein change: p.Asn1198Ser; replaces asparagine 1198 with serine.
Molecular consequence: missense variant.
Genome position (GRCh38, 1-based): chr2:151,677,746, T>C on the plus strand (A>G on the coding strand, the complement: NEB is on the minus strand). VCF-style: chr2-151677746-T-C. GRCh37 (hg19) VCF-style: chr2-152534260-T-C.
Other names: p.Asn1198Ser; c.3593A>G, p.Asn1198Ser (NM_001164507.2, NM_001271208.2, NM_004543.5); short protein forms N1198S.
Identifiers: ClinVar variation 211587 (VCV000211587.65), dbSNP rs146616621, ClinGen allele CA205381.